The following is an entry in ClinVar:

NM_004281.4(BAG3):c.745A>G (p.Lys249Glu)

Gene: BAG3 (BAG cochaperone 3; plus strand). Cytogenetic location: 10q26.11.
Variant type: single nucleotide variant.
Coding change: c.745A>G on transcript NM_004281.4 (MANE Select); coding-DNA position 745, A replaced by G.
Protein change: p.Lys249Glu; replaces lysine 249 with glutamic acid.
Molecular consequence: missense variant.
Genome position (GRCh38, 1-based): chr10:119,672,492, A>G. VCF-style: chr10-119672492-A-G. GRCh37 (hg19) VCF-style: chr10-121432004-A-G.
Other names: short protein forms K249E.
Identifiers: ClinVar variation 4783156 (VCV004783156.1).

ClinVar aggregate classification (germline): Uncertain significance (1 of 4 stars; one submission).

Conditions:
Dilated cardiomyopathy 1HH (CMD1HH). Identifiers: Orphanet 154, MedGen C3151293, MONDO:0013479, OMIM 613881.
Myofibrillar myopathy 6. Identifiers: Orphanet 199340, MedGen C2751831, MONDO:0013061, OMIM 612954.

Submission:

Labcorp Genetics (formerly Invitae), Labcorp
Classification: Uncertain significance for Dilated cardiomyopathy 1HH; Myofibrillar myopathy 6. Last evaluated: 2025-12-16. Review status: criteria provided, single submitter. Criteria: Invitae Variant Classification Sherloc (09022015). Collection method: clinical testing. Allele origin: germline.
Comment: This sequence change replaces lysine, which is basic and polar, with glutamic acid, which is acidic and polar, at codon 249 of the BAG3 protein (p.Lys249Glu). This variant is not present in population databases (gnomAD no frequency). This variant has not been reported in the literature in individuals affected with BAG3-related conditions. Invitae Evidence Modeling of protein sequence and biophysical properties (such as structural, functional, and spatial information, amino acid conservation, physicochemical variation, residue mobility, and thermodynamic stability) indicates that this missense variant is not expected to disrupt BAG3 protein function with a negative predictive value of 80%. In summary, the available evidence is currently insufficient to determine the role of this variant in disease. Therefore, it has been classified as a Variant of Uncertain Significance.